The following is an entry in ClinVar:

NC_000016.9:g.(?_19085223)_(19089480_?)dup

Gene: COQ7 (coenzyme Q7, hydroxylase; plus strand). Cytogenetic location: 16p12.3.
Variant type: Duplication.
Identifiers: ClinVar variation 2426272 (VCV002426272.3).

ClinVar aggregate classification (germline): Uncertain significance (1 of 4 stars; one submission).

Submission:

Labcorp Genetics (formerly Invitae), Labcorp
Classification: Uncertain significance. Last evaluated: 2022-05-04. Review status: criteria provided, single submitter. Criteria: Invitae Variant Classification Sherloc (09022015). Collection method: clinical testing. Allele origin: germline.
Comment: This variant results in a copy number gain of the genomic region encompassing exon(s) 3-6 of the COQ7 gene. This region includes the termination codon of the gene. This copy number gain extends beyond the assayed region for this gene and therefore may encompass additional genes. As the precise location of this event is unknown, it may be in tandem or it may be located elsewhere in the genome. This variant has not been reported in the literature in individuals affected with COQ7-related conditions. In summary, the available evidence is currently insufficient to determine the role of this variant in disease. Therefore, it has been classified as a Variant of Uncertain Significance.